The following is an entry in ClinVar:

ClinVar aggregate classification (germline): Likely pathogenic (1 of 4 stars; one submission).

Conditions:
Neurodevelopmental disorder with or without early-onset generalized epilepsy. Identifiers: MedGen C5436914, MONDO:0030930, OMIM 619157.

Submission:

Victorian Clinical Genetics Services, Murdoch Childrens Research Institute
Classification: Likely pathogenic for Neurodevelopmental disorder with or without early-onset generalized epilepsy. Last evaluated: 2023-07-16. Review status: criteria provided, single submitter. Criteria: ACMG Guidelines, 2015. Collection method: clinical testing. Allele origin: germline. Inheritance: Autosomal dominant inheritance. Affected: yes.
Comment: Based on the classification scheme VCGS_Germline_v1.3.4, this variant is classified as Likely pathogenic. Following criteria are met: 0102 - Loss of function is a known mechanism of disease in this gene and is associated with neurodevelopmental disorder with or without early-onset generalised epilepsy (MIM#619157). (I) 0107 - This gene is associated with autosomal dominant disease. (I) 0212 - Non-canonical splice site variant without proven consequence on splicing (no functional evidence available). (SP) 0251 - This variant is heterozygous. (I) 0301 - Variant is absent from gnomAD (both v2 and v3). (SP) 0505 - Abnormal splicing is predicted by in silico tools and affected nucleotide is highly conserved. (SP) 0705 - No comparable splice site variants have previous evidence for pathogenicity. (I) 0807 - This variant has no previous evidence of pathogenicity. (I) 0905 - No published segregation evidence has been identified for this variant. (I) 1007 - No published functional evidence has been identified for this variant. (SP) Legend: (SP) - Supporting pathogenic, (I) - Information, (SB) - Supporting benign

NM_001385012.1(NBEA):c.6304+5G>T

Gene: NBEA (neurobeachin; plus strand). Cytogenetic location: 13q13.3.
Variant type: single nucleotide variant.
Coding change: c.6304+5G>T on transcript NM_001385012.1 (MANE Select); 5 bases into the intron after coding-DNA position 6304, G replaced by T.
Molecular consequence: intron variant.
Genome position (GRCh38, 1-based): chr13:35,432,398, G>T. VCF-style: chr13-35432398-G-T. GRCh37 (hg19) VCF-style: chr13-36006535-G-T.
Other names: c.6304+5G>T (NM_015678.5); c.6295+5G>T (NM_001379245.1).
Identifiers: ClinVar variation 1699484 (VCV001699484.3), dbSNP rs2152930968, ClinGen allele CA2573130284.
Genomic context (GRCh38, chr13:35,432,398, plus strand): 5'-CAATGCATTTGGCTCCACTCATGCTGAAGCATTGCTGAAAGCTGCAATAGAATATGGTTA[G>T]TACCAATGCTTCTTCCACAAAAATACTTCTGGATGTGAGGTGACTCCTTGTGTTTGAGAA-3'